The following is an entry in ClinVar:

NM_025179.4(PLXNA2):c.5552A>G (p.Asn1851Ser)

Gene: PLXNA2 (plexin A2; minus strand). Cytogenetic location: 1q32.2.
Variant type: single nucleotide variant.
Coding change: c.5552A>G on transcript NM_025179.4 (MANE Select); coding-DNA position 5552, A replaced by G.
Protein change: p.Asn1851Ser; replaces asparagine 1851 with serine.
Molecular consequence: missense variant.
Genome position (GRCh38, 1-based): chr1:208,028,046, T>C on the plus strand (A>G on the coding strand, the complement: PLXNA2 is on the minus strand). VCF-style: chr1-208028046-T-C. GRCh37 (hg19) VCF-style: chr1-208201391-T-C.
Other names: c.5552A>G (NM_025179.3); short protein forms N1851S.
Identifiers: ClinVar variation 2175547 (VCV002175547.6), dbSNP rs141837222, ClinGen allele CA1372534.

ClinVar aggregate classification (germline): Uncertain significance. Review status: criteria provided, single submitter (1 of 4 stars). 2 submissions from 2 submitters: Uncertain significance (1). 1 of the submissions does not count toward it. Last evaluated 2026-01-07.

Conditions:
PLXNA2-related disorder. Also called: PLXNA2-related condition.

Allele frequency attached by ClinVar (database versions not stated): ExAC 0.00003; gnomAD exomes 0.00005; TOPMed 0.00007; ESP Exome Variant Server 0.00008; gnomAD 0.00009.
gnomAD v4.1: 89 of 1,608,776 alleles (0.0055%); highest among the groups gnomAD compares: Non-Finnish European, 0.0064%; no homozygotes.

Submissions (2):

Labcorp Genetics (formerly Invitae), Labcorp
Classification: Uncertain significance. Last evaluated: 2026-01-07. Review status: criteria provided, single submitter. Criteria: Invitae Variant Classification Sherloc (09022015). Collection method: clinical testing. Allele origin: germline.
Comment: This sequence change replaces asparagine, which is neutral and polar, with serine, which is neutral and polar, at codon 1851 of the PLXNA2 protein (p.Asn1851Ser). This variant is present in population databases (rs141837222, gnomAD 0.01%). This variant has not been reported in the literature in individuals affected with PLXNA2-related conditions. ClinVar contains an entry for this variant (Variation ID: 2175547). Invitae Evidence Modeling of protein sequence and biophysical properties (such as structural, functional, and spatial information, amino acid conservation, physicochemical variation, residue mobility, and thermodynamic stability) indicates that this missense variant is not expected to disrupt PLXNA2 protein function with a negative predictive value of 80%. In summary, the available evidence is currently insufficient to determine the role of this variant in disease. Therefore, it has been classified as a Variant of Uncertain Significance.

PreventionGenetics, part of Exact Sciences
Classification: Uncertain significance for PLXNA2-related condition. Last evaluated: 2024-05-17. Review status: no assertion criteria provided. Collection method: clinical testing. Allele origin: germline. Not counted in ClinVar's aggregate classification.
Comment: The PLXNA2 c.5552A>G variant is predicted to result in the amino acid substitution p.Asn1851Ser. To our knowledge, this variant has not been reported in the literature. This variant is reported in 0.011% of alleles in individuals of European (Non-Finnish) descent in gnomAD. At this time, the clinical significance of this variant is uncertain due to the absence of conclusive functional and genetic evidence.